The following is an entry in ClinVar:

NM_002427.4(MMP13):c.951T>G (p.Asp317Glu)

Gene: MMP13 (matrix metallopeptidase 13; minus strand). Cytogenetic location: 11q22.2.
Variant type: single nucleotide variant.
Coding change: c.951T>G on transcript NM_002427.4 (MANE Select); coding-DNA position 951, T replaced by G.
Protein change: p.Asp317Glu; replaces aspartic acid 317 with glutamic acid.
Molecular consequence: missense variant.
Genome position (GRCh38, 1-based): chr11:102,949,125, A>C on the plus strand (T>G on the coding strand, the complement: MMP13 is on the minus strand). VCF-style: chr11-102949125-A-C. GRCh37 (hg19) VCF-style: chr11-102819854-A-C.
Other names: short protein forms D317E.
Identifiers: ClinVar variation 301982 (VCV000301982.12), dbSNP rs367612153, ClinGen allele CA6251828.

ClinVar aggregate classification (germline): Conflicting classifications of pathogenicity. Review status: criteria provided, conflicting classifications (1 of 4 stars). 4 submissions from 3 submitters: Uncertain significance (2); Likely benign (2). Last evaluated 2026-01-19.

Conditions:
Metaphyseal anadysplasia. Also called: Early-onset regressive form of metaphyseal dysplasia. Identifiers: Orphanet 1040, MedGen C0432226, MONDO:0015177.
Spondyloepimetaphyseal dysplasia, Missouri type. Identifiers: Orphanet 1040, Orphanet 93356, MedGen C1865832, MONDO:0011198, OMIM 602111.

Allele frequency attached by ClinVar (database versions not stated): gnomAD 0.00013; ExAC 0.00014; ESP Exome Variant Server 0.00015; TOPMed 0.00016; gnomAD exomes 0.00022.

Submissions (4):

Labcorp Genetics (formerly Invitae), Labcorp
Classification: Uncertain significance. Last evaluated: 2026-01-19. Review status: criteria provided, single submitter. Criteria: Invitae Variant Classification Sherloc (09022015). Collection method: clinical testing. Allele origin: germline.
Comment: This sequence change replaces aspartic acid, which is acidic and polar, with glutamic acid, which is acidic and polar, at codon 317 of the MMP13 protein (p.Asp317Glu). This variant is present in population databases (rs367612153, gnomAD 0.08%). This variant has not been reported in the literature in individuals affected with MMP13-related conditions. ClinVar contains an entry for this variant (Variation ID: 301982). Invitae Evidence Modeling of protein sequence and biophysical properties (such as structural, functional, and spatial information, amino acid conservation, physicochemical variation, residue mobility, and thermodynamic stability) indicates that this missense variant is not expected to disrupt MMP13 protein function with a negative predictive value of 80%. In summary, the available evidence is currently insufficient to determine the role of this variant in disease. Therefore, it has been classified as a Variant of Uncertain Significance.

Ambry Genetics
Classification: Likely benign. Last evaluated: 2023-02-16. Review status: criteria provided, single submitter. Criteria: Ambry Variant Classification Scheme 2023. Collection method: clinical testing. Allele origin: germline.

Illumina Laboratory Services, Illumina
Classification: Uncertain significance for Spondyloepimetaphyseal dysplasia, Missouri type. Last evaluated: 2018-01-13. Review status: criteria provided, single submitter. Criteria: ICSL Variant Classification Criteria 13 December 2019. Collection method: clinical testing. Allele origin: germline.

Illumina Laboratory Services, Illumina
Classification: Likely benign for Metaphyseal anadysplasia. Last evaluated: 2018-01-13. Review status: criteria provided, single submitter. Criteria: ICSL Variant Classification Criteria 13 December 2019. Collection method: clinical testing. Allele origin: germline.
Comment: This variant was observed in the ICSL laboratory as part of a predisposition screen in an ostensibly healthy population. It had not been previously curated by ICSL or reported in the Human Gene Mutation Database (HGMD: prior to June 1st, 2018), and was therefore a candidate for classification through an automated scoring system. Utilizing variant allele frequency, disease prevalence and penetrance estimates, and inheritance mode, an automated score was calculated to assess if this variant is too frequent to cause the disease. Based on the score and internal cut-off values, a variant classified as likely benign is not then subjected to further curation. The score for this variant resulted in a classification of likely benign for this disease.